The following is an entry in ClinVar:

NM_005619.5(RTN2):c.1380+1G>T

Genes: OPA3-RTN2 (OPA3-RTN2 readthrough; minus strand), RTN2 (reticulon 2; minus strand). Cytogenetic location: 19q13.32.
Variant type: single nucleotide variant.
Coding change: c.1380+1G>T on transcript NM_005619.5 (MANE Select); the canonical splice donor site of the intron after coding-DNA position 1380, G replaced by T.
Molecular consequence: splice donor variant.
Genome position (GRCh38, 1-based): chr19:45,488,847, C>A on the plus strand (G>T on the coding strand, the complement: RTN2 is on the minus strand). VCF-style: chr19-45488847-C-A. GRCh37 (hg19) VCF-style: chr19-45992105-C-A.
Other names: c.1161+1G>T (NM_206900.3); c.360+1G>T (NM_206901.3).
Identifiers: ClinVar variation 1474923 (VCV001474923.8), dbSNP rs1968087179, ClinGen allele CA406354810.

ClinVar aggregate classification (germline): Likely pathogenic (1 of 4 stars; one submission).

Conditions:
Spastic paraplegia. Identifiers: MedGen C0037772, HP:0001258.

Allele frequency attached by ClinVar (database versions not stated): gnomAD exomes below 0.00001.

Submission:

Labcorp Genetics (formerly Invitae), Labcorp
Classification: Likely pathogenic for Spastic paraplegia. Last evaluated: 2020-12-30. Review status: criteria provided, single submitter. Criteria: Invitae Variant Classification Sherloc (09022015). Collection method: clinical testing. Allele origin: germline.
Comment: This variant is not present in population databases (ExAC no frequency). In summary, the currently available evidence indicates that the variant is pathogenic, but additional data are needed to prove that conclusively. Therefore, this variant has been classified as Likely Pathogenic. Algorithms developed to predict the effect of sequence changes on RNA splicing suggest that this variant may disrupt the consensus splice site, but this prediction has not been confirmed by published transcriptional studies. This variant has not been reported in the literature in individuals with RTN2-related conditions. This sequence change affects a donor splice site in intron 7 of the RTN2 gene. It is expected to disrupt RNA splicing. Variants that disrupt the donor or acceptor splice site typically lead to a loss of protein function (PMID: 16199547), and loss-of-function variants in RTN2 are known to be pathogenic (PMID: 22232211, 27165006).

Literature cited by the submitters: PubMed 16199547; PubMed 22232211; PubMed 27165006.